The following is an entry in ClinVar:

NM_001378454.1(ALMS1):c.7577G>A (p.Gly2526Glu)

Gene: ALMS1 (ALMS1 centrosome and basal body associated protein; plus strand). Cytogenetic location: 2p13.1.
Variant type: single nucleotide variant.
Coding change: c.7577G>A on transcript NM_001378454.1 (MANE Select); coding-DNA position 7577, G replaced by A.
Protein change: p.Gly2526Glu; replaces glycine 2526 with glutamic acid.
Molecular consequence: missense variant.
Genome position (GRCh38, 1-based): chr2:73,455,198, G>A. VCF-style: chr2-73455198-G-A. GRCh37 (hg19) VCF-style: chr2-73682325-G-A.
Other names: c.7580G>A, p.Gly2527Glu (NM_015120.4); short protein forms G2527E, G2526E.
Identifiers: ClinVar variation 552746 (VCV000552746.14), dbSNP rs201654702, ClinGen allele CA1714277.

ClinVar aggregate classification (germline): Uncertain significance. Review status: criteria provided, multiple submitters, no conflicts (2 of 4 stars). 6 submissions from 6 submitters: Uncertain significance (4). 2 of the submissions do not count toward it. Last evaluated 2025-01-29.

Conditions:
Cardiovascular phenotype. Identifiers: MedGen CN230736.
Alstrom syndrome (ALMS). Identifiers: Orphanet 64, MedGen C0268425, MONDO:0008763, OMIM 203800.

Allele frequency attached by ClinVar (database versions not stated): TOPMed 0.00003; gnomAD 0.00004; ESP Exome Variant Server 0.00008.
gnomAD v4.1: 11 of 1,613,866 alleles (0.00068%); highest among the groups gnomAD compares: African/African-American, 0.0027%; no homozygotes.

Submissions (6):

Labcorp Genetics (formerly Invitae), Labcorp
Classification: Uncertain significance for Alstrom syndrome. Last evaluated: 2025-01-29. Review status: criteria provided, single submitter. Criteria: Invitae Variant Classification Sherloc (09022015). Collection method: clinical testing. Allele origin: germline.
Comment: This sequence change replaces glycine, which is neutral and non-polar, with glutamic acid, which is acidic and polar, at codon 2527 of the ALMS1 protein (p.Gly2527Glu). This variant is present in population databases (rs201654702, gnomAD 0.004%). This variant has not been reported in the literature in individuals affected with ALMS1-related conditions. ClinVar contains an entry for this variant (Variation ID: 552746). Experimental studies and prediction algorithms are not available or were not evaluated, and the functional significance of this variant is currently unknown. In summary, the available evidence is currently insufficient to determine the role of this variant in disease. Therefore, it has been classified as a Variant of Uncertain Significance.

Ambry Genetics
Classification: Uncertain significance for Cardiovascular phenotype. Last evaluated: 2023-11-20. Review status: criteria provided, single submitter. Criteria: Ambry Variant Classification Scheme 2023. Collection method: clinical testing. Allele origin: germline.
Comment: The p.G2527E variant (also known as c.7580G>A), located in coding exon 9 of the ALMS1 gene, results from a G to A substitution at nucleotide position 7580. The glycine at codon 2527 is replaced by glutamic acid, an amino acid with similar properties. This amino acid position is highly conserved in available vertebrate species. In addition, the in silico prediction for this alteration is inconclusive. Since supporting evidence is limited at this time, the clinical significance of this alteration remains unclear.

GeneDx
Classification: Uncertain significance. Last evaluated: 2022-08-23. Review status: criteria provided, single submitter. Criteria: GeneDx Variant Classification Process June 2021. Collection method: clinical testing. Allele origin: germline. Affected: yes.
Comment: Not observed at significant frequency in large population cohorts (gnomAD); In silico analysis supports that this missense variant has a deleterious effect on protein structure/function; Has not been previously published as pathogenic or benign to our knowledge

Blueprint Genetics
Classification: Uncertain significance. Last evaluated: 2019-06-20. Review status: criteria provided, single submitter. Criteria: ACMG Guidelines, 2015. Collection method: clinical testing. Allele origin: germline.

Natera, Inc.
Classification: Uncertain significance for Alstrom syndrome. Last evaluated: 2021-06-09. Review status: no assertion criteria provided. Collection method: clinical testing. Allele origin: germline. Not counted in ClinVar's aggregate classification.

Counsyl
Classification: Uncertain significance for Alstrom syndrome. Last evaluated: 2017-07-06. Review status: no assertion criteria provided. Collection method: clinical testing. Allele origin: unknown. Not counted in ClinVar's aggregate classification.